The following is an entry in ClinVar:

ClinVar aggregate classification (germline): Benign (1 of 4 stars; one submission).

Submission:

GeneDx
Classification: Benign. Last evaluated: 2021-06-04. Review status: criteria provided, single submitter. Criteria: GeneDx Variant Classification Process June 2021. Collection method: clinical testing. Allele origin: germline. Affected: yes.
Comment: Has not been previously published as pathogenic or benign to our knowledge

NM_002968.3(SALL1):c.2573_2574delinsAA (p.Leu858Gln)

Gene: SALL1 (spalt like transcription factor 1; minus strand). Cytogenetic location: 16q12.1.
Variant type: Indel.
Coding change: c.2573_2574delinsAA on transcript NM_002968.3 (MANE Select); coding-DNA positions 2573 to 2574, TC replaced by AA.
Protein change: p.Leu858Gln; replaces leucine 858 with glutamine.
Molecular consequence: missense variant.
Genome position (GRCh38, 1-based): chr16:51,139,648-51,139,649, GA replaced by TT on the plus strand (TC replaced by AA on the coding strand, the reverse complement: SALL1 is on the minus strand). VCF-style: chr16-51139648-GA-TT. GRCh37 (hg19) VCF-style: chr16-51173559-GA-TT.
Other names: c.2282_2283delinsAA, p.Leu761Gln (NM_001127892.2); short protein forms L761Q, L858Q.
Identifiers: ClinVar variation 1264173 (VCV001264173.2), dbSNP rs2143440766, ClinGen allele CA2499223540.